The following is an entry in ClinVar:

NM_001374736.1(DST):c.15161C>T (p.Ser5054Leu)

Gene: DST (dystonin; minus strand). Cytogenetic location: 6p12.1.
Variant type: single nucleotide variant.
Coding change: c.15161C>T on transcript NM_001374736.1 (MANE Select); coding-DNA position 15161, C replaced by T.
Protein change: p.Ser5054Leu; replaces serine 5054 with leucine.
Molecular consequence: missense variant.
Genome position (GRCh38, 1-based): chr6:56,553,631, G>A on the plus strand (C>T on the coding strand, the complement: DST is on the minus strand). VCF-style: chr6-56553631-G-A. GRCh37 (hg19) VCF-style: chr6-56418429-G-A.
Other names: p.Ser2431Leu; c.8804C>T, p.Ser2935Leu (NM_001144769.5); c.8390C>T, p.Ser2797Leu (NM_001144770.2); c.15161C>T, p.Ser5054Leu (NM_001374722.1); c.14528C>T, p.Ser4843Leu (NM_001374729.1); c.8270C>T, p.Ser2757Leu (NM_001374730.1, NM_001386100.1, NM_183380.4); c.15188C>T, p.Ser5063Leu (NM_001374734.1); c.7292C>T, p.Ser2431Leu (NM_015548.5); short protein forms S4843L, S5054L, S2935L, S2431L, S5063L, S2757L, S2797L.
Identifiers: ClinVar variation 1378035 (VCV001378035.5), dbSNP rs374048995, ClinGen allele CA3867859.

ClinVar aggregate classification (germline): Uncertain significance. Review status: criteria provided, multiple submitters, no conflicts (2 of 4 stars). 2 submissions from 2 submitters: Uncertain significance (2). Last evaluated 2024-08-02.

Conditions:
Epidermolysis bullosa simplex 3, localized or generalized intermediate, with BP230 deficiency (EBS3). Also called: Epidermolysis bullosa simplex, autosomal recessive 2; Epidermolysis bullosa simplex due to BP230 deficiency. Identifiers: Orphanet 412181, MedGen C3809470, MONDO:0014180, OMIM 615425.
Hereditary sensory and autonomic neuropathy type 6. Also called: Neuropathy, hereditary sensory and autonomic, type VI; HSAN VI. Identifiers: Orphanet 314381, MedGen C3539003, MONDO:0013839, OMIM 614653.

Allele frequency attached by ClinVar (database versions not stated): gnomAD 0.00001; TOPMed 0.00002; gnomAD exomes 0.00004 and 0.00006; ExAC 0.00008; ESP Exome Variant Server 0.00008.
gnomAD v4.1: 58 of 1,613,046 alleles (0.0036%); highest among the groups gnomAD compares: South Asian, 0.023%; no homozygotes.

Submissions (2):

Mayo Clinic Laboratories, Mayo Clinic
Classification: Uncertain significance. Last evaluated: 2024-08-02. Review status: criteria provided, single submitter. Criteria: ACMG Guidelines, 2015. Collection method: clinical testing. Allele origin: germline. Observed: 2 variant alleles.
Comment: BP4_moderate

Labcorp Genetics (formerly Invitae), Labcorp
Classification: Uncertain significance for Epidermolysis bullosa simplex 3, localized or generalized intermediate, with BP230 deficiency; Hereditary sensory and autonomic neuropathy type 6. Last evaluated: 2022-09-01. Review status: criteria provided, single submitter. Criteria: Invitae Variant Classification Sherloc (09022015). Collection method: clinical testing. Allele origin: germline.
Comment: In summary, the available evidence is currently insufficient to determine the role of this variant in disease. Therefore, it has been classified as a Variant of Uncertain Significance. Experimental studies and prediction algorithms are not available or were not evaluated, and the functional significance of this variant is currently unknown. This variant has not been reported in the literature in individuals affected with DST-related conditions. This variant is present in population databases (rs374048995, gnomAD 0.03%). This sequence change replaces serine, which is neutral and polar, with leucine, which is neutral and non-polar, at codon 2431 of the DST protein (p.Ser2431Leu). The DST gene has multiple clinically relevant transcripts. This variant occurs in alternate transcript NM_015548.4, and corresponds to NM_001723.5:c.*61886C>T in the primary transcript.